The following is an entry in ClinVar:

NM_031407.7(HUWE1):c.5813T>C (p.Ile1938Thr)

Gene: HUWE1 (HECT, UBA and WWE domain containing E3 ubiquitin protein ligase 1; minus strand). Cytogenetic location: Xp11.22.
Variant type: single nucleotide variant.
Coding change: c.5813T>C on transcript NM_031407.7 (MANE Select); coding-DNA position 5813, T replaced by C.
Protein change: p.Ile1938Thr; replaces isoleucine 1938 with threonine.
Molecular consequence: missense variant.
Genome position (GRCh38, 1-based): chrX:53,576,971, A>G on the plus strand (T>C on the coding strand, the complement: HUWE1 is on the minus strand). VCF-style: chrX-53576971-A-G. GRCh37 (hg19) VCF-style: chrX-53603931-A-G.
Other names: c.5813T>C, p.Ile1938Thr (NM_001441048.1, NM_001441049.1, NM_001441051.1 and 6 more transcripts); c.5834T>C, p.Ile1945Thr (NM_001441050.1, NM_001441055.1); short protein forms I1938T, I1945T.
Identifiers: ClinVar variation 4813520 (VCV004813520.1).

ClinVar aggregate classification (germline): Uncertain significance (1 of 4 stars; one submission).

Conditions:
Intellectual developmental disorder, X-linked, syndromic, Turner type. Also called: X-linked intellectual disability, Turner type; Intellectual disability, X-linked syndromic, Turner type. Identifiers: Orphanet 3056, Orphanet 85328, MedGen C2678046, MONDO:0010407, OMIM 309590.

Submission:

Mendelics
Classification: Uncertain significance for Intellectual developmental disorder, X-linked, syndromic, Turner type. Last evaluated: 2026-03-05. Review status: criteria provided, single submitter. Criteria: ACMG Guidelines, 2015. Collection method: clinical testing. Allele origin: unknown.
Comment: The available evidence is insufficient to conclusively determine the role of this variant. Therefore, it is classified as a Variant of Uncertain Significance.